The following is an entry in ClinVar:

NM_017671.5(FERMT1):c.747-3T>C

Gene: FERMT1 (FERM domain containing kindlin 1; minus strand). Cytogenetic location: 20p12.3.
Variant type: single nucleotide variant.
Coding change: c.747-3T>C on transcript NM_017671.5 (MANE Select); 3 bases into the intron before coding-DNA position 747, T replaced by C.
Molecular consequence: intron variant.
Genome position (GRCh38, 1-based): chr20:6,107,637, A>G on the plus strand (T>C on the coding strand, the complement: FERMT1 is on the minus strand). VCF-style: chr20-6107637-A-G. GRCh37 (hg19) VCF-style: chr20-6088284-A-G.
Identifiers: ClinVar variation 1401097 (VCV001401097.3), dbSNP rs199725731, ClinGen allele CA9758362.

ClinVar aggregate classification (germline): Uncertain significance (1 of 4 stars; one submission).

Allele frequency attached by ClinVar (database versions not stated): gnomAD exomes 0.00002 and 0.00006; gnomAD 0.00003 and 0.00004; TOPMed 0.00005; ExAC 0.00007; 1000 Genomes Project 0.00020; 1000 Genomes Project 30x 0.00031.
gnomAD v4.1: 36 of 1,556,964 alleles (0.0023%); highest among the groups gnomAD compares: Admixed American, 0.035%; no homozygotes.

Submission:

Labcorp Genetics (formerly Invitae), Labcorp
Classification: Uncertain significance. Last evaluated: 2022-08-09. Review status: criteria provided, single submitter. Criteria: Invitae Variant Classification Sherloc (09022015). Collection method: clinical testing. Allele origin: germline.
Comment: This sequence change falls in intron 5 of the FERMT1 gene. It does not directly change the encoded amino acid sequence of the FERMT1 protein. It affects a nucleotide within the consensus splice site. This variant is present in population databases (rs199725731, gnomAD 0.04%). This variant has not been reported in the literature in individuals affected with FERMT1-related conditions. ClinVar contains an entry for this variant (Variation ID: 1401097). Variants that disrupt the consensus splice site are a relatively common cause of aberrant splicing (PMID: 17576681, 9536098). Algorithms developed to predict the effect of sequence changes on RNA splicing suggest that this variant is not likely to affect RNA splicing. In summary, the available evidence is currently insufficient to determine the role of this variant in disease. Therefore, it has been classified as a Variant of Uncertain Significance.

Literature cited by the submitters: PubMed 17576681; PubMed 9536098.